The following is an entry in ClinVar:

ClinVar aggregate classification (germline): Uncertain significance (1 of 4 stars; one submission).

Conditions:
Charcot-Marie-Tooth disease dominant intermediate F. Identifiers: Orphanet 352670, MedGen C4749463, MONDO:0014074, OMIM 615185.

Allele frequency attached by ClinVar (database versions not stated): gnomAD exomes below 0.00001.
gnomAD v4.1: 2 of 1,613,676 alleles (0.00012%); highest among the groups gnomAD compares: African/African-American, 0.0013%; no homozygotes.

Submission:

Labcorp Genetics (formerly Invitae), Labcorp
Classification: Uncertain significance for Charcot-Marie-Tooth disease dominant intermediate F. Last evaluated: 2021-12-22. Review status: criteria provided, single submitter. Criteria: Invitae Variant Classification Sherloc (09022015). Collection method: clinical testing. Allele origin: germline.
Comment: This sequence change replaces serine, which is neutral and polar, with threonine, which is neutral and polar, at codon 245 of the GNB4 protein (p.Ser245Thr). This variant is not present in population databases (gnomAD no frequency). This variant has not been reported in the literature in individuals affected with GNB4-related conditions. ClinVar contains an entry for this variant (Variation ID: 952815). Algorithms developed to predict the effect of missense changes on protein structure and function are either unavailable or do not agree on the potential impact of this missense change (SIFT: "Tolerated"; PolyPhen-2: "Probably Damaging"; Align-GVGD: "Class C0"). In summary, the available evidence is currently insufficient to determine the role of this variant in disease. Therefore, it has been classified as a Variant of Uncertain Significance.

NM_021629.4(GNB4):c.733T>A (p.Ser245Thr)

Gene: GNB4 (G protein subunit beta 4; minus strand). Cytogenetic location: 3q26.33.
Variant type: single nucleotide variant.
Coding change: c.733T>A on transcript NM_021629.4 (MANE Select); coding-DNA position 733, T replaced by A.
Protein change: p.Ser245Thr; replaces serine 245 with threonine.
Molecular consequence: missense variant.
Genome position (GRCh38, 1-based): chr3:179,405,373, A>T on the plus strand (T>A on the coding strand, the complement: GNB4 is on the minus strand). VCF-style: chr3-179405373-A-T. GRCh37 (hg19) VCF-style: chr3-179123161-A-T.
Other names: short protein forms S245T.
Identifiers: ClinVar variation 952815 (VCV000952815.9), dbSNP rs1714435843, ClinGen allele CA355469148.